The following is an entry in ClinVar:

NM_004360.5(CDH1):c.1201G>T (p.Ala401Ser)

Gene: CDH1 (cadherin 1; plus strand). Cytogenetic location: 16q22.1.
Variant type: single nucleotide variant.
Coding change: c.1201G>T on transcript NM_004360.5 (MANE Select); coding-DNA position 1201, G replaced by T.
Protein change: p.Ala401Ser; replaces alanine 401 with serine.
Molecular consequence: missense variant. On other transcripts: 5 prime UTR variant (2), intron variant (1).
Genome position (GRCh38, 1-based): chr16:68,813,376, G>T. VCF-style: chr16-68813376-G-T. GRCh37 (hg19) VCF-style: chr16-68847279-G-T.
Other names: c.-415G>T (NM_001317185.2); c.-619G>T (NM_001317186.2); c.1137+1113G>T (NM_001317184.2); short protein forms A401S.
Identifiers: ClinVar variation 5033928 (VCV005033928.1).

ClinVar aggregate classification (germline): Uncertain significance (1 of 4 stars; one submission).

Conditions:
Hereditary cancer-predisposing syndrome. Also called: Neoplastic Syndromes, Hereditary; Tumor predisposition; Hereditary neoplastic syndrome; Hereditary Cancer Syndrome. Identifiers: Orphanet 140162, MedGen C0027672, MeSH D009386, MONDO:0015356.

Submission:

Ambry Genetics
Classification: Uncertain significance for Hereditary cancer-predisposing syndrome. Last evaluated: 2026-07-06. Review status: criteria provided, single submitter. Criteria: Ambry Variant Classification Scheme 2023. Collection method: clinical testing. Allele origin: germline.
Comment: The p.A401S variant (also known as c.1201G>T), located in coding exon 9 of the CDH1 gene, results from a G to T substitution at nucleotide position 1201. The alanine at codon 401 is replaced by serine, an amino acid with similar properties. This amino acid position is conserved. In addition, this alteration is predicted to be tolerated by in silico analysis. Based on the available evidence, the clinical significance of this variant remains unclear.